The following is an entry in ClinVar:

ClinVar aggregate classification (germline): Uncertain significance (1 of 4 stars; one submission).

Conditions:
Infantile neuroaxonal dystrophy (NBIA2A). Also called: NEURODEGENERATION WITH BRAIN IRON ACCUMULATION 2A; SEITELBERGER DISEASE; Infantile neuroaxonal dystrophy 1. Identifiers: Orphanet 35069, MedGen C0270724, MONDO:0024457, OMIM 256600.

Submission:

Labcorp Genetics (formerly Invitae), Labcorp
Classification: Uncertain significance for Infantile neuroaxonal dystrophy. Last evaluated: 2021-08-30. Review status: criteria provided, single submitter. Criteria: Invitae Variant Classification Sherloc (09022015). Collection method: clinical testing. Allele origin: germline.
Comment: This sequence change replaces histidine with tyrosine at codon 479 of the PLA2G6 protein (p.His479Tyr). The histidine residue is moderately conserved and there is a moderate physicochemical difference between histidine and tyrosine. This variant is not present in population databases (ExAC no frequency). This variant has not been reported in the literature in individuals affected with PLA2G6-related conditions. Advanced modeling of protein sequence and biophysical properties (such as structural, functional, and spatial information, amino acid conservation, physicochemical variation, residue mobility, and thermodynamic stability) performed at Invitae indicates that this missense variant is not expected to disrupt PLA2G6 protein function. This variant disrupts the p.His479 amino acid residue in PLA2G6. Other variant(s) that disrupt this residue have been determined to be pathogenic (PMID: 30340910; Invitae). This suggests that this residue is clinically significant, and that variants that disrupt this residue are likely to be disease-causing. In summary, the available evidence is currently insufficient to determine the role of this variant in disease. Therefore, it has been classified as a Variant of Uncertain Significance.

Literature cited by the submitters: PubMed 30340910.

NM_003560.4(PLA2G6):c.1435C>T (p.His479Tyr)

Gene: PLA2G6 (phospholipase A2 group VI; minus strand). Cytogenetic location: 22q13.1.
Variant type: single nucleotide variant.
Coding change: c.1435C>T on transcript NM_003560.4 (MANE Select); coding-DNA position 1435, C replaced by T.
Protein change: p.His479Tyr; replaces histidine 479 with tyrosine.
Molecular consequence: missense variant.
Genome position (GRCh38, 1-based): chr22:38,123,251, G>A on the plus strand (C>T on the coding strand, the complement: PLA2G6 is on the minus strand). VCF-style: chr22-38123251-G-A. GRCh37 (hg19) VCF-style: chr22-38519258-G-A.
Other names: c.1273C>T, p.His425Tyr (NM_001004426.3, NM_001199562.3, NM_001349865.2 and 1 more transcripts); c.1435C>T, p.His479Tyr (NM_001349864.2); c.901C>T, p.His301Tyr (NM_001349867.2); c.757C>T, p.His253Tyr (NM_001349868.2); c.739C>T, p.His247Tyr (NM_001349869.2); short protein forms H253Y, H247Y, H301Y, H479Y, H425Y.
Identifiers: ClinVar variation 1433561 (VCV001433561.5), dbSNP rs1235695530, ClinGen allele CA411528214.